The following is an entry in ClinVar:

ClinVar aggregate classification (germline): Uncertain significance (1 of 4 stars; one submission).

Conditions:
Tuberous sclerosis 2 (TSC2). Identifiers: Orphanet 805, MedGen C1860707, MONDO:0013199, OMIM 613254.

Submission:

Labcorp Genetics (formerly Invitae), Labcorp
Classification: Uncertain significance for Tuberous sclerosis 2. Last evaluated: 2022-03-04. Review status: criteria provided, single submitter. Criteria: Invitae Variant Classification Sherloc (09022015). Collection method: clinical testing. Allele origin: germline.
Comment: Advanced modeling of protein sequence and biophysical properties (such as structural, functional, and spatial information, amino acid conservation, physicochemical variation, residue mobility, and thermodynamic stability) performed at Invitae indicates that this missense variant is not expected to disrupt TSC2 protein function. In summary, the available evidence is currently insufficient to determine the role of this variant in disease. Therefore, it has been classified as a Variant of Uncertain Significance. This sequence change replaces aspartic acid, which is acidic and polar, with glutamic acid, which is acidic and polar, at codon 1590 of the TSC2 protein (p.Asp1590Glu). This variant has not been reported in the literature in individuals affected with TSC2-related conditions. This variant is not present in population databases (gnomAD no frequency).

NM_000548.5(TSC2):c.4770C>A (p.Asp1590Glu)

Gene: TSC2 (TSC complex subunit 2; plus strand). Cytogenetic location: 16p13.3.
Variant type: single nucleotide variant.
Coding change: c.4770C>A on transcript NM_000548.5 (MANE Select); coding-DNA position 4770, C replaced by A.
Protein change: p.Asp1590Glu; replaces aspartic acid 1590 with glutamic acid.
Molecular consequence: missense variant.
Genome position (GRCh38, 1-based): chr16:2,086,300, C>A. VCF-style: chr16-2086300-C-A. GRCh37 (hg19) VCF-style: chr16-2136301-C-A.
Other names: c.4551C>A, p.Asp1517Glu (NM_001406676.1); c.4512C>A, p.Asp1504Glu (NM_001406677.1); c.4458C>A, p.Asp1486Glu (NM_001406678.1); c.4422C>A, p.Asp1474Glu (NM_001406679.1); c.4170C>A, p.Asp1390Glu (NM_001406680.1); c.4110C>A, p.Asp1370Glu (NM_001406681.1); c.4101C>A, p.Asp1367Glu (NM_001406682.1, NM_001406683.1); c.4098C>A, p.Asp1366Glu (NM_001406684.1); and 26 more; short protein forms D1076E, D1323E, D1475E, D1524E, D1534E, D1554E, D1567E, D1099E.
Identifiers: ClinVar variation 2045698 (VCV002045698.4), dbSNP rs1596439135, ClinGen allele CA394307884.